The following is an entry in ClinVar:

ClinVar aggregate classification (germline): Conflicting classifications of pathogenicity. Review status: criteria provided, conflicting classifications (1 of 4 stars). 3 submissions from 3 submitters: Uncertain significance (1); Likely benign (1). 1 of the submissions does not count toward it. Last evaluated 2025-06-19.

Conditions:
LRP2-related disorder. Also called: LRP2-related condition.
Donnai-Barrow syndrome. Also called: DBS/FOAR SYNDROME; FACIOOCULOACOUSTICORENAL SYNDROME. Identifiers: Orphanet 2143, MedGen C1857277, MONDO:0009104, OMIM 222448.

Allele frequency attached by ClinVar (database versions not stated): gnomAD 0.00001; TOPMed 0.00002; ExAC 0.00003; gnomAD exomes 0.00004.
gnomAD v4.1: 54 of 1,614,040 alleles (0.0033%); highest among the groups gnomAD compares: Middle Eastern, 0.049%; no homozygotes.

Submissions (3):

Labcorp Genetics (formerly Invitae), Labcorp
Classification: Likely benign. Last evaluated: 2025-06-19. Review status: criteria provided, single submitter. Criteria: Invitae Variant Classification Sherloc (09022015). Collection method: clinical testing. Allele origin: germline.

Fulgent Genetics
Classification: Uncertain significance for Donnai-Barrow syndrome. Last evaluated: 2022-04-12. Review status: criteria provided, single submitter. Criteria: ACMG Guidelines, 2015. Collection method: clinical testing. Allele origin: unknown.

PreventionGenetics, part of Exact Sciences
Classification: Likely benign for LRP2-related condition. Last evaluated: 2024-05-06. Review status: no assertion criteria provided. Collection method: clinical testing. Allele origin: germline. Not counted in ClinVar's aggregate classification.
Comment: This variant is classified as likely benign based on ACMG/AMP sequence variant interpretation guidelines (Richards et al. 2015 PMID: 25741868, with internal and published modifications).

NM_004525.3(LRP2):c.3039C>T (p.Cys1013=)

Gene: LRP2 (LDL receptor related protein 2; minus strand). Cytogenetic location: 2q31.1.
Variant type: single nucleotide variant.
Coding change: c.3039C>T on transcript NM_004525.3 (MANE Select); coding-DNA position 3039, C replaced by T.
Protein change: p.Cys1013=; no amino-acid change (cysteine 1013 retained).
Molecular consequence: synonymous variant.
Genome position (GRCh38, 1-based): chr2:169,246,856, G>A on the plus strand (C>T on the coding strand, the complement: LRP2 is on the minus strand). VCF-style: chr2-169246856-G-A. GRCh37 (hg19) VCF-style: chr2-170103366-G-A.
Other names: c.3039C>T (NM_004525.2).
Identifiers: ClinVar variation 1407032 (VCV001407032.8), dbSNP rs200245838, ClinGen allele CA1955140.